The following is an entry in ClinVar:

NM_004429.5(EFNB1):c.403dup (p.Thr135fs)

Gene: EFNB1 (ephrin B1; plus strand). Cytogenetic location: Xq13.1.
Variant type: Duplication.
Coding change: c.403dup on transcript NM_004429.5 (MANE Select); coding-DNA position 403, one base duplicated (A; older notation c.403dupA).
Protein change: p.Thr135fs; shifts the reading frame from threonine 135.
Molecular consequence: frameshift variant.
Genome position (GRCh38, 1-based): chrX:68,838,891, A duplicated. VCF-style (leftmost placement, unchanged base first): chrX-68838890-T-TA. GRCh37 (hg19) VCF-style: chrX-68058733-T-TA.
Other names: short protein forms T135fs.
Identifiers: ClinVar variation 2031724 (VCV002031724.4), dbSNP rs2519538409, ClinGen allele CA2580101290.

ClinVar aggregate classification (germline): Pathogenic (1 of 4 stars; one submission).

Submission:

Labcorp Genetics (formerly Invitae), Labcorp
Classification: Pathogenic. Last evaluated: 2022-09-22. Review status: criteria provided, single submitter. Criteria: Invitae Variant Classification Sherloc (09022015). Collection method: clinical testing. Allele origin: germline.
Comment: For these reasons, this variant has been classified as Pathogenic. This variant has not been reported in the literature in individuals affected with EFNB1-related conditions. This variant is not present in population databases (gnomAD no frequency). This sequence change creates a premature translational stop signal (p.Thr135Asnfs*40) in the EFNB1 gene. It is expected to result in an absent or disrupted protein product. Loss-of-function variants in EFNB1 are known to be pathogenic (PMID: 15959873, 16685650).

Literature cited by the submitters: PubMed 15959873; PubMed 16685650.